The following is an entry in ClinVar:

ClinVar aggregate classification (germline): Uncertain significance. Review status: criteria provided, single submitter (1 of 4 stars). 2 submissions from 2 submitters: Uncertain significance (1). 1 of the submissions does not count toward it. Last evaluated 2021-06-11.

Conditions:
Bloom syndrome (BLM). Also called: Bloom-Torre-Machacek syndrome. Identifiers: Orphanet 125, MedGen C0005859, MONDO:0008876, OMIM 210900.

Submissions (2):

Labcorp Genetics (formerly Invitae), Labcorp
Classification: Uncertain significance for Bloom syndrome. Last evaluated: 2021-06-11. Review status: criteria provided, single submitter. Criteria: Invitae Variant Classification Sherloc (09022015). Collection method: clinical testing. Allele origin: germline.
Comment: In summary, the available evidence is currently insufficient to determine the role of this variant in disease. Therefore, it has been classified as a Variant of Uncertain Significance. Algorithms developed to predict the effect of missense changes on protein structure and function (SIFT, PolyPhen-2, Align-GVGD) all suggest that this variant is likely to be tolerated, but these predictions have not been confirmed by published functional studies and their clinical significance is uncertain. This variant has not been reported in the literature in individuals with BLM-related conditions. This variant is not present in population databases (ExAC no frequency). This sequence change replaces glutamic acid with glycine at codon 223 of the BLM protein (p.Glu223Gly). The glutamic acid residue is weakly conserved and there is a moderate physicochemical difference between glutamic acid and glycine.

Natera, Inc.
Classification: Uncertain significance for Bloom syndrome. Last evaluated: 2025-03-02. Review status: no assertion criteria provided. Collection method: clinical testing. Allele origin: germline. Not counted in ClinVar's aggregate classification.

NM_000057.4(BLM):c.668A>G (p.Glu223Gly)

Gene: BLM (BLM RecQ like helicase; plus strand). Cytogenetic location: 15q26.1.
Variant type: single nucleotide variant.
Coding change: c.668A>G on transcript NM_000057.4 (MANE Select); coding-DNA position 668, A replaced by G.
Protein change: p.Glu223Gly; replaces glutamic acid 223 with glycine.
Molecular consequence: missense variant. On other transcripts: 5 prime UTR variant (1).
Genome position (GRCh38, 1-based): chr15:90,749,936, A>G. VCF-style: chr15-90749936-A-G. GRCh37 (hg19) VCF-style: chr15-91293166-A-G.
Other names: c.668A>G, p.Glu223Gly (NM_001287246.2, NM_001287247.2); c.-624A>G (NM_001287248.2); short protein forms E223G.
Identifiers: ClinVar variation 956944 (VCV000956944.11), dbSNP rs1895632421, ClinGen allele CA393841294.